The following is an entry in ClinVar:

ClinVar aggregate classification (germline): Pathogenic. Review status: criteria provided, multiple submitters, no conflicts (2 of 4 stars). 2 submissions from 2 submitters: Pathogenic (2). Last evaluated 2025-08-18.

Conditions:
Hereditary angioedema type 1 (HAE1). Identifiers: Orphanet 100050, Orphanet 100051, Orphanet 91378, MedGen C2717906, MONDO:0015053, OMIM 106100.

Submissions (2):

Labcorp Genetics (formerly Invitae), Labcorp
Classification: Pathogenic. Last evaluated: 2025-08-18. Review status: criteria provided, single submitter. Criteria: Invitae Variant Classification Sherloc (09022015). Collection method: clinical testing. Allele origin: germline.
Comment: This sequence change affects a donor splice site in intron 2 of the SERPING1 gene. It is expected to disrupt RNA splicing. Variants that disrupt the donor or acceptor splice site typically lead to a loss of protein function (PMID: 16199547), and loss-of-function variants in SERPING1 are known to be pathogenic (PMID: 11112899, 24456027). This variant is not present in population databases (gnomAD no frequency). Disruption of this splice site has been observed in individuals with hereditary angioedema (PMID: 14635117, 21934598). ClinVar contains an entry for this variant (Variation ID: 3248625). Algorithms developed to predict the effect of sequence changes on RNA splicing suggest that this variant may disrupt the consensus splice site. For these reasons, this variant has been classified as Pathogenic.

DNA-diagnostics Laboratory, Research Centre For Medical Genetics
Classification: Pathogenic for Hereditary angioedema type 1. Last evaluated: 2024-06-30. Review status: criteria provided, single submitter. Criteria: ACMG Guidelines, 2015. Collection method: research. Allele origin: germline. Inheritance: Autosomal dominant inheritance. Affected: yes. Observed: 3 variant alleles, 3 heterozygotes.
Comment: According to our observation and the published information of Gossewein et all, 2008, Yamamoto et al., 2012, Cagini et al., 2016, the c.51+1G>T variant in SERPING1 meets ACMG/ClinGen SVI guidance criteria to be classified as pathogenic: PVS1, PP4_Str, PS4_Mod, PS1_Sup, PM2_Sup, PP3

Literature cited by the submitters: PubMed 16199547 (cited by Labcorp Genetics (formerly Invitae), Labcorp); PubMed 11112899 (cited by Labcorp Genetics (formerly Invitae), Labcorp); PubMed 24456027 (cited by Labcorp Genetics (formerly Invitae), Labcorp); PubMed 14635117 (cited by Labcorp Genetics (formerly Invitae), Labcorp); PubMed 21934598 (cited by Labcorp Genetics (formerly Invitae), Labcorp and DNA-diagnostics Laboratory, Research Centre For Medical Genetics); DOI 10.1159/000138883 (cited by DNA-diagnostics Laboratory, Research Centre For Medical Genetics); DOI 10.1515/hsz-2015-0222 (cited by DNA-diagnostics Laboratory, Research Centre For Medical Genetics).

NM_000062.3(SERPING1):c.51+1G>T

Gene: SERPING1 (serpin family G member 1; plus strand). Cytogenetic location: 11q12.1.
Variant type: single nucleotide variant.
Coding change: c.51+1G>T on transcript NM_000062.3 (MANE Select); the canonical splice donor site of the intron after coding-DNA position 51, G replaced by T.
Molecular consequence: splice donor variant.
Genome position (GRCh38, 1-based): chr11:57,598,322, G>T. VCF-style: chr11-57598322-G-T. GRCh37 (hg19) VCF-style: chr11-57365795-G-T.
Other names: c.51+1G>T (NM_001032295.2).
Identifiers: ClinVar variation 3248625 (VCV003248625.3), dbSNP rs1470120365.